The following is an entry in ClinVar:

ClinVar aggregate classification (germline): Uncertain significance. Review status: criteria provided, multiple submitters, no conflicts (2 of 4 stars). 2 submissions from 2 submitters: Uncertain significance (2). Last evaluated 2025-06-18.

Conditions:
Hereditary cancer-predisposing syndrome. Also called: Neoplastic Syndromes, Hereditary; Tumor predisposition; Hereditary Cancer Syndrome; Hereditary neoplastic syndrome. Identifiers: Orphanet 140162, MedGen C0027672, MeSH D009386, MONDO:0015356.

Submissions (2):

Ambry Genetics
Classification: Uncertain significance for Hereditary cancer-predisposing syndrome. Last evaluated: 2025-06-18. Review status: criteria provided, single submitter. Criteria: Ambry Variant Classification Scheme 2023. Collection method: clinical testing. Allele origin: germline.
Comment: The p.E719G variant (also known as c.2156A>G), located in coding exon 19 of the POLE gene, results from an A to G substitution at nucleotide position 2156. The glutamic acid at codon 719 is replaced by glycine, an amino acid with similar properties. This amino acid position is conserved. In addition, the in silico prediction for this alteration is inconclusive. Since supporting evidence is limited at this time, the clinical significance of this alteration remains unclear.

Labcorp Genetics (formerly Invitae), Labcorp
Classification: Uncertain significance. Last evaluated: 2025-02-26. Review status: criteria provided, single submitter. Criteria: Invitae Variant Classification Sherloc (09022015). Collection method: clinical testing. Allele origin: germline.
Comment: This sequence change replaces glutamic acid, which is acidic and polar, with glycine, which is neutral and non-polar, at codon 719 of the POLE protein (p.Glu719Gly). This variant is not present in population databases (gnomAD no frequency). This variant has not been reported in the literature in individuals affected with POLE-related conditions. ClinVar contains an entry for this variant (Variation ID: 1786816). Invitae Evidence Modeling of protein sequence and biophysical properties (such as structural, functional, and spatial information, amino acid conservation, physicochemical variation, residue mobility, and thermodynamic stability) indicates that this missense variant is expected to disrupt POLE protein function with a positive predictive value of 80%. In summary, the available evidence is currently insufficient to determine the role of this variant in disease. Therefore, it has been classified as a Variant of Uncertain Significance.

NM_006231.4(POLE):c.2156A>G (p.Glu719Gly)

Gene: POLE (DNA polymerase epsilon, catalytic subunit; minus strand). Cytogenetic location: 12q24.33.
Variant type: single nucleotide variant.
Coding change: c.2156A>G on transcript NM_006231.4 (MANE Select); coding-DNA position 2156, A replaced by G.
Protein change: p.Glu719Gly; replaces glutamic acid 719 with glycine.
Molecular consequence: missense variant.
Genome position (GRCh38, 1-based): chr12:132,668,373, T>C on the plus strand (A>G on the coding strand, the complement: POLE is on the minus strand). VCF-style: chr12-132668373-T-C. GRCh37 (hg19) VCF-style: chr12-133244959-T-C.
Other names: short protein forms E719G.
Identifiers: ClinVar variation 1786816 (VCV001786816.6), dbSNP rs2135974634, ClinGen allele CA387353591.